The following is an entry in ClinVar:

ClinVar aggregate classification (germline): Pathogenic. Review status: criteria provided, multiple submitters, no conflicts (2 of 4 stars). 2 submissions from 2 submitters: Pathogenic (2). Last evaluated 2024-04-25.

Conditions:
Long QT syndrome (LQTS). Identifiers: MedGen C0023976, MeSH D008133, MONDO:0002442. Disease mechanism: loss of function. Inheritance: Various modes of inheritance.
KCNQ1-related disorder. Also called: KCNQ1-related disorders; KCNQ1-related condition. Identifiers: MedGen CN239322.

Submissions (2):

Labcorp Genetics (formerly Invitae), Labcorp
Classification: Pathogenic for Long QT syndrome. Last evaluated: 2024-04-25. Review status: criteria provided, single submitter. Criteria: Invitae Variant Classification Sherloc (09022015). Collection method: clinical testing. Allele origin: germline.
Comment: This sequence change creates a premature translational stop signal (p.Gln260*) in the KCNQ1 gene. It is expected to result in an absent or disrupted protein product. Loss-of-function variants in KCNQ1 are known to be pathogenic (PMID: 9323054, 19862833). This variant is not present in population databases (gnomAD no frequency). This variant has not been reported in the literature in individuals affected with KCNQ1-related conditions. ClinVar contains an entry for this variant (Variation ID: 842276). For these reasons, this variant has been classified as Pathogenic.

Dasa
Classification: Pathogenic for KCNQ1-related disorder. Last evaluated: 2022-11-03. Review status: criteria provided, single submitter. Criteria: ACMG Guidelines, 2015. Collection method: clinical testing. Allele origin: germline. Affected: yes. Observed: 1 variant allele.
Comment: The c.778C>T;p.(Gln260*) variant creates a premature translational stop signal in the KCNQ1 gene. It is expected to result in an absent or disrupted protein product - PVS1. ClinVar contains an entry for this variant (ClinVar ID: 842276) - PS4_supporting. This variant is not present in population databases (rs1848346228, gnomAD; ABraOM no frequency) - PM2. In summary, the currently available evidence indicates that the variant is pathogenic.

Literature cited by the submitters: PubMed 9323054 (cited by Labcorp Genetics (formerly Invitae), Labcorp); PubMed 19862833 (cited by Labcorp Genetics (formerly Invitae), Labcorp).

NM_000218.3(KCNQ1):c.778C>T (p.Gln260Ter)

Gene: KCNQ1 (potassium voltage-gated channel subfamily Q member 1; plus strand). Cytogenetic location: 11p15.5.
Variant type: single nucleotide variant.
Coding change: c.778C>T on transcript NM_000218.3 (MANE Select); coding-DNA position 778, C replaced by T.
Protein change: p.Gln260Ter; replaces glutamine 260 with a stop codon.
Molecular consequence: nonsense.
Genome position (GRCh38, 1-based): chr11:2,572,107, C>T. VCF-style: chr11-2572107-C-T. GRCh37 (hg19) VCF-style: chr11-2593337-C-T.
Other names: c.778C>T, p.Gln260Ter (NM_001406836.1); c.508C>T, p.Gln170Ter (NM_001406837.1); c.397C>T, p.Gln133Ter (NM_181798.2); short protein forms Q260*, Q133*, Q170*.
Identifiers: ClinVar variation 842276 (VCV000842276.11), dbSNP rs1848346228, ClinGen allele CA379131109.